The following is an entry in ClinVar:

ClinVar aggregate classification (germline): Likely pathogenic (1 of 4 stars; one submission).

Conditions:
Cardiovascular phenotype. Identifiers: MedGen CN230736.

Submission:

Molecular Diagnostic Laboratory for Inherited Cardiovascular Disease, Montreal Heart Institute
Classification: Likely pathogenic for Cardiovascular phenotype. Last evaluated: 2025-02-11. Review status: criteria provided, single submitter. Criteria: ACMG Guidelines, 2015. Collection method: clinical testing. Allele origin: germline. Affected: yes.
Comment: PVS1, PM2

NM_020745.4(AARS2):c.104del (p.Pro35fs)

Gene: AARS2 (alanyl-tRNA synthetase 2, mitochondrial; minus strand). Cytogenetic location: 6p21.1.
Variant type: Deletion.
Coding change: c.104del on transcript NM_020745.4 (MANE Select); coding-DNA position 104, one base deleted (C; older notation c.104delC).
Protein change: p.Pro35fs; shifts the reading frame from proline 35.
Molecular consequence: frameshift variant.
Genome position (GRCh38, 1-based): chr6:44,313,220, G deleted on the plus strand (C on the coding strand, the reverse complement: AARS2 is on the minus strand); the first of 5 consecutive G bases (chr6:44,313,220-44,313,224); deleting any one gives the same sequence. VCF-style (leftmost placement, unchanged base first): chr6-44313219-AG-A. GRCh37 (hg19) VCF-style: chr6-44280956-AG-A.
Other names: short protein forms P35fs.
Identifiers: ClinVar variation 3895396 (VCV003895396.1), dbSNP rs758814921.